The following is an entry in ClinVar:

NM_152296.5(ATP1A3):c.2907C>T (p.Arg969=)

Gene: ATP1A3 (ATPase Na+/K+ transporting subunit alpha 3; minus strand). Cytogenetic location: 19q13.2.
Variant type: single nucleotide variant.
Coding change: c.2907C>T on transcript NM_152296.5 (MANE Select); coding-DNA position 2907, C replaced by T.
Protein change: p.Arg969=; no amino-acid change (arginine 969 retained).
Molecular consequence: synonymous variant.
Genome position (GRCh38, 1-based): chr19:41,967,676, G>A on the plus strand (C>T on the coding strand, the complement: ATP1A3 is on the minus strand). VCF-style: chr19-41967676-G-A. GRCh37 (hg19) VCF-style: chr19-42471828-G-A.
Other names: c.2940C>T, p.Arg980= (NM_001256213.2); c.2946C>T, p.Arg982= (NM_001256214.2).
Identifiers: ClinVar variation 1347387 (VCV001347387.8), dbSNP rs782611500, ClinGen allele CA9467261.

ClinVar aggregate classification (germline): Uncertain significance (1 of 4 stars; one submission).

Conditions:
Dystonia 12 (DYT12). Also called: DYT-ATP1A3; Rapid-Onset Dystonia-Parkinsonism (RDP). Identifiers: Orphanet 71517, MedGen C1868681, MONDO:0007496, OMIM 128235.

Allele frequency attached by ClinVar (database versions not stated): gnomAD exomes below 0.00001 and 0.00001; ExAC 0.00001; TOPMed 0.00001; gnomAD 0.00002.
gnomAD v4.1: 6 of 1,613,886 alleles (0.00037%); highest among the groups gnomAD compares: African/African-American, 0.008%; no homozygotes.

Submission:

Labcorp Genetics (formerly Invitae), Labcorp
Classification: Uncertain significance for Dystonia 12. Last evaluated: 2023-11-27. Review status: criteria provided, single submitter. Criteria: Invitae Variant Classification Sherloc (09022015). Collection method: clinical testing. Allele origin: germline.
Comment: This sequence change affects codon 969 of the ATP1A3 mRNA. It is a 'silent' change, meaning that it does not change the encoded amino acid sequence of the ATP1A3 protein. This variant is present in population databases (rs782611500, gnomAD 0.01%). This variant has not been reported in the literature in individuals affected with ATP1A3-related conditions. ClinVar contains an entry for this variant (Variation ID: 1347387). Algorithms developed to predict the effect of sequence changes on RNA splicing suggest that this variant may create or strengthen a splice site. In summary, the available evidence is currently insufficient to determine the role of this variant in disease. Therefore, it has been classified as a Variant of Uncertain Significance.